The following is an entry in ClinVar:

NM_001148.6(ANK2):c.11617G>T (p.Asp3873Tyr)

Gene: ANK2 (ankyrin 2; plus strand). Cytogenetic location: 4q26.
Variant type: single nucleotide variant.
Coding change: c.11617G>T on transcript NM_001148.6 (MANE Select); coding-DNA position 11617, G replaced by T.
Protein change: p.Asp3873Tyr; replaces aspartic acid 3873 with tyrosine.
Molecular consequence: missense variant. On other transcripts: intron variant (1).
Genome position (GRCh38, 1-based): chr4:113,373,096, G>T. VCF-style: chr4-113373096-G-T. GRCh37 (hg19) VCF-style: chr4-114294252-G-T.
Other names: c.5335G>T, p.Asp1779Tyr (NM_001127493.3); c.5374G>T, p.Asp1792Tyr (NM_001354225.2); c.5356G>T, p.Asp1786Tyr (NM_001354228.2); c.5341G>T, p.Asp1781Tyr (NM_001354230.2); c.5497G>T, p.Asp1833Tyr (NM_001354231.2); c.5491G>T, p.Asp1831Tyr (NM_001354232.2); c.5452G>T, p.Asp1818Tyr (NM_001354235.2); c.5260G>T, p.Asp1754Tyr (NM_001354236.2); and 44 more; short protein forms D1627Y, D1660Y, D1688Y, D1693Y, D1701Y, D1710Y, D1713Y, D1715Y.
Identifiers: ClinVar variation 2662796 (VCV002662796.1), dbSNP rs777035563, ClinGen allele CA357943330.

ClinVar aggregate classification (germline): Uncertain significance (1 of 4 stars; one submission).

gnomAD v4.1: 1 of 1,613,904 alleles (0.000062%); highest among the groups gnomAD compares: Non-Finnish European, 0.000085%; no homozygotes.

Submission:

GeneDx
Classification: Uncertain significance. Last evaluated: 2023-04-12. Review status: criteria provided, single submitter. Criteria: GeneDx Variant Classification Process June 2021. Collection method: clinical testing. Allele origin: germline. Affected: yes.
Comment: Has not been previously published as pathogenic or benign to our knowledge; Not observed at significant frequency in large population cohorts (gnomAD); In silico analysis supports that this missense variant has a deleterious effect on protein structure/function